The following is an entry in ClinVar:

NM_006231.4(POLE):c.121A>T (p.Thr41Ser)

Gene: POLE (DNA polymerase epsilon, catalytic subunit; minus strand). Cytogenetic location: 12q24.33.
Variant type: single nucleotide variant.
Coding change: c.121A>T on transcript NM_006231.4 (MANE Select); coding-DNA position 121, A replaced by T.
Protein change: p.Thr41Ser; replaces threonine 41 with serine.
Molecular consequence: missense variant.
Genome position (GRCh38, 1-based): chr12:132,681,221, T>A on the plus strand (A>T on the coding strand, the complement: POLE is on the minus strand). VCF-style: chr12-132681221-T-A. GRCh37 (hg19) VCF-style: chr12-133257807-T-A.
Other names: short protein forms T41S.
Identifiers: ClinVar variation 3645615 (VCV003645615.2).

ClinVar aggregate classification (germline): Uncertain significance (1 of 4 stars; one submission).

Submission:

Labcorp Genetics (formerly Invitae), Labcorp
Classification: Uncertain significance. Last evaluated: 2024-03-12. Review status: criteria provided, single submitter. Criteria: Invitae Variant Classification Sherloc (09022015). Collection method: clinical testing. Allele origin: germline.
Comment: This sequence change replaces threonine, which is neutral and polar, with serine, which is neutral and polar, at codon 41 of the POLE protein (p.Thr41Ser). This variant is not present in population databases (gnomAD no frequency). This variant has not been reported in the literature in individuals affected with POLE-related conditions. Advanced modeling of protein sequence and biophysical properties (such as structural, functional, and spatial information, amino acid conservation, physicochemical variation, residue mobility, and thermodynamic stability) performed at Invitae indicates that this missense variant is not expected to disrupt POLE protein function with a negative predictive value of 80%. In summary, the available evidence is currently insufficient to determine the role of this variant in disease. Therefore, it has been classified as a Variant of Uncertain Significance.